The following is an entry in ClinVar:

NM_172107.4(KCNQ2):c.638G>T (p.Arg213Leu)

Gene: KCNQ2 (potassium voltage-gated channel subfamily Q member 2; minus strand). Cytogenetic location: 20q13.33.
Variant type: single nucleotide variant.
Coding change: c.638G>T on transcript NM_172107.4 (MANE Select); coding-DNA position 638, G replaced by T.
Protein change: p.Arg213Leu; replaces arginine 213 with leucine.
Molecular consequence: missense variant.
Genome position (GRCh38, 1-based): chr20:63,444,711, C>A on the plus strand (G>T on the coding strand, the complement: KCNQ2 is on the minus strand). VCF-style: chr20-63444711-C-A. GRCh37 (hg19) VCF-style: chr20-62076064-C-A.
Other names: c.638G>T, p.Arg213Leu (NM_001382235.1, NM_004518.6, NM_172106.3 and 2 more transcripts); short protein forms R213L.
Identifiers: ClinVar variation 1685899 (VCV001685899.4), dbSNP rs397514581, ClinGen allele CA409654736.
Genomic context (GRCh38, chr20:63,444,711, plus strand): 5'-TGACTCACCTTGCTGTGGGCATAGACCACAGAGCCCAGCAGCTTCCAGGTGCCTCCCCGC[C>A]GGTCCATGCGGATCATCCGCAGAATCTGCAGGAAGCGCAGGCTCCGGAGCGCAGATGTGG-3'
Protein context (NP_742105.1, residues 203-223): LQILRMIRMD[Arg213Leu]RGGTWKLLGS

ClinVar aggregate classification (germline): Pathogenic/Likely pathogenic. Review status: criteria provided, multiple submitters, no conflicts (2 of 4 stars). 2 submissions from 2 submitters: Pathogenic (1); Likely pathogenic (1). Last evaluated 2024-01-11.

Conditions:
Seizures, benign familial neonatal, 1. Also called: Benign Neonatal Epilepsy 1; KCNQ2-Related Self-Limited Familial Neonatal Epilepsy (SLFNE); Seizures, benign neonatal, 1; KCNQ2-Related Benign Familial Neonatal Epilepsy. Identifiers: Orphanet 1949, MedGen C3149074, MONDO:0007365, OMIM 121200.
Early-infantile DEE. Also called: Ohtahara syndrome; Early infantile epileptic encephalopathy with suppression bursts; Early infantile epileptic encephalopathy. Identifiers: Orphanet 1934, MedGen C0393706, MONDO:0800491.

Submissions (2):

Labcorp Genetics (formerly Invitae), Labcorp
Classification: Likely pathogenic for Early-infantile DEE. Last evaluated: 2024-01-11. Review status: criteria provided, single submitter. Criteria: Invitae Variant Classification Sherloc (09022015). Collection method: clinical testing. Allele origin: germline.
Comment: This sequence change replaces arginine, which is basic and polar, with leucine, which is neutral and non-polar, at codon 213 of the KCNQ2 protein (p.Arg213Leu). This variant is not present in population databases (gnomAD no frequency). This variant has not been reported in the literature in individuals affected with KCNQ2-related conditions. ClinVar contains an entry for this variant (Variation ID: 1685899). Advanced modeling of protein sequence and biophysical properties (such as structural, functional, and spatial information, amino acid conservation, physicochemical variation, residue mobility, and thermodynamic stability) performed at Invitae indicates that this missense variant is expected to disrupt KCNQ2 protein function with a positive predictive value of 95%. This variant disrupts the p.Arg213 amino acid residue in KCNQ2. Other variant(s) that disrupt this residue have been determined to be pathogenic (PMID: 18353052, 23440208, 27779742, 29056246). This suggests that this residue is clinically significant, and that variants that disrupt this residue are likely to be disease-causing. In summary, the currently available evidence indicates that the variant is pathogenic, but additional data are needed to prove that conclusively. Therefore, this variant has been classified as Likely Pathogenic.

Mendelics
Classification: Pathogenic for Seizures, benign familial neonatal, 1. Last evaluated: 2022-05-04. Review status: criteria provided, single submitter. Criteria: Mendelics Assertion Criteria 2019. Collection method: clinical testing. Allele origin: germline.

Literature cited by the submitters: PubMed 18353052 (cited by Labcorp Genetics (formerly Invitae), Labcorp); PubMed 23440208 (cited by Labcorp Genetics (formerly Invitae), Labcorp); PubMed 27779742 (cited by Labcorp Genetics (formerly Invitae), Labcorp); PubMed 29056246 (cited by Labcorp Genetics (formerly Invitae), Labcorp).